The following is an entry in ClinVar:

NM_002691.4(POLD1):c.1425T>A (p.Asn475Lys)

Gene: POLD1 (DNA polymerase delta 1, catalytic subunit; plus strand). Cytogenetic location: 19q13.33.
Variant type: single nucleotide variant.
Coding change: c.1425T>A on transcript NM_002691.4 (MANE Select); coding-DNA position 1425, T replaced by A.
Protein change: p.Asn475Lys; replaces asparagine 475 with lysine.
Molecular consequence: missense variant. On other transcripts: non-coding transcript variant (1).
Genome position (GRCh38, 1-based): chr19:50,406,448, T>A. VCF-style: chr19-50406448-T-A. GRCh37 (hg19) VCF-style: chr19-50909705-T-A.
Other names: c.1425T>A, p.Asn475Lys (NM_001256849.1, NM_001308632.1); short protein forms N475K.
Identifiers: ClinVar variation 1772367 (VCV001772367.2), dbSNP rs2513994813, ClinGen allele CA406980126.

ClinVar aggregate classification (germline): Uncertain significance (1 of 4 stars; one submission).

Conditions:
Hereditary cancer-predisposing syndrome. Also called: Hereditary Cancer Syndrome; Hereditary neoplastic syndrome; Neoplastic Syndromes, Hereditary; Tumor predisposition. Identifiers: Orphanet 140162, MedGen C0027672, MeSH D009386, MONDO:0015356.

Submission:

Ambry Genetics
Classification: Uncertain significance for Hereditary cancer-predisposing syndrome. Last evaluated: 2021-12-11. Review status: criteria provided, single submitter. Criteria: Ambry Variant Classification Scheme 2023. Collection method: clinical testing. Allele origin: germline.
Comment: The p.N475K variant (also known as c.1425T>A), located in coding exon 11 of the POLD1 gene, results from a T to A substitution at nucleotide position 1425. The asparagine at codon 475 is replaced by lysine, an amino acid with similar properties. This amino acid position is conserved. In addition, this alteration is predicted to be tolerated by in silico analysis. Since supporting evidence is limited at this time, the clinical significance of this alteration remains unclear.